The following is an entry in ClinVar:

ClinVar aggregate classification (germline): Uncertain significance (1 of 4 stars; one submission).

Conditions:
TBX3-related disorder. Also called: TBX3-related condition.

gnomAD v4.1: 10 of 1,614,006 alleles (0.00062%); highest among the groups gnomAD compares: African/African-American, 0.0027%; no homozygotes.

Submission:

PreventionGenetics, part of Exact Sciences
Classification: Uncertain significance for TBX3-related condition. Last evaluated: 2025-09-22. Review status: criteria provided, single submitter. Criteria: ACMG Guidelines, 2015. Collection method: clinical testing. Allele origin: germline.
Comment: The TBX3 c.1076C>A variant is predicted to result in the amino acid substitution p.Thr359Asn. To our knowledge, this variant has not been reported in the literature. This variant is reported in 0.0062% of alleles in individuals of African descent in gnomAD. At this time, the clinical significance of this variant is uncertain due to the absence of conclusive functional and genetic evidence.

NM_005996.4(TBX3):c.1016C>A (p.Thr339Asn)

Gene: TBX3 (T-box transcription factor 3; minus strand). Cytogenetic location: 12q24.21.
Variant type: single nucleotide variant.
Coding change: c.1016C>A on transcript NM_005996.4 (MANE Select); coding-DNA position 1016, C replaced by A.
Protein change: p.Thr339Asn; replaces threonine 339 with asparagine.
Molecular consequence: missense variant.
Genome position (GRCh38, 1-based): chr12:114,676,336, G>T on the plus strand (C>A on the coding strand, the complement: TBX3 is on the minus strand). VCF-style: chr12-114676336-G-T. GRCh37 (hg19) VCF-style: chr12-115114141-G-T.
Other names: c.1076C>A, p.Thr359Asn (NM_016569.4); short protein forms T359N, T339N.
Identifiers: ClinVar variation 4981432 (VCV004981432.1).
Genomic context (GRCh38, chr12:114,676,336, plus strand): 5'-ACTGGAGTCCAGTGATCACAAAGGTGACATGGTTTACCTTTGAGGTTCGATGTCCCTACA[G>T]TGGAGGCGGCTGGAGAAGAAGCCTGGGCGAAGCAGTTGAAAGCTGCTTGTTCACTGGAGG-3'
Protein context (NP_005987.3, residues 329-349): FAQASSPAAS[Thr339Asn]VGTSNLKDLC